The following is an entry in ClinVar:

ClinVar aggregate classification (germline): Uncertain significance (1 of 4 stars; one submission).

Submission:

GeneDx
Classification: Uncertain significance. Last evaluated: 2026-10-01. Review status: criteria provided, single submitter. Criteria: GeneDx Variant Classification Process June 2021. Collection method: clinical testing. Allele origin: germline.
Comment: Not observed at significant frequency in large population cohorts (gnomAD); Initiation codon variant predicted to alter the protein; however, a downstream in-frame Methionine residue could serve as an alternate initiator codon; Has not been previously published as pathogenic or benign to our knowledge

NM_019842.4(KCNQ5):c.1A>G (p.Met1Val)

Genes: KCNQ5 (potassium voltage-gated channel subfamily Q member 5; plus strand), KCNQ5-DT (KCNQ5 divergent transcript; minus strand), LOC129996711 (ATAC-STARR-seq lymphoblastoid silent region 17329; plus strand). Cytogenetic location: 6q13.
Variant type: single nucleotide variant.
Coding change: c.1A>G on transcript NM_019842.4 (MANE Select); coding-DNA position 1, A replaced by G.
Protein change: p.Met1Val; changes the start codon (methionine 1).
Molecular consequence: missense variant, initiator codon variant.
Genome position (GRCh38, 1-based): chr6:72,622,190, A>G. VCF-style: chr6-72622190-A-G. GRCh37 (hg19) VCF-style: chr6-73331918-A-G.
Other names: c.1A>G, p.Met1Val (NM_001160130.2, NM_001160132.2, NM_001160133.2 and 1 more transcripts); short protein forms M1V.
Identifiers: ClinVar variation 3371856 (VCV003371856.2).